The following is an entry in ClinVar:

ClinVar aggregate classification (germline): Uncertain significance. Review status: criteria provided, multiple submitters, no conflicts (2 of 4 stars). 3 submissions from 3 submitters: Uncertain significance (3). Last evaluated 2024-04-14.

Conditions:
Ataxia-telangiectasia syndrome (AT). Also called: ATAXIA-TELANGIECTASIA, COMPLEMENTATION GROUP A; ATAXIA-TELANGIECTASIA, FRESNO VARIANT; LOUIS-BAR SYNDROME; Ataxia telangiectasia (A-T); Cerebello-oculocutaneous telangiectasia; Immunodeficiency with ataxia telangiectasia. Identifiers: Orphanet 100, MedGen C0004135, MONDO:0008840, OMIM 208900.
Hereditary cancer-predisposing syndrome. Also called: Tumor predisposition; Neoplastic Syndromes, Hereditary; Hereditary Cancer Syndrome; Hereditary neoplastic syndrome. Identifiers: Orphanet 140162, MedGen C0027672, MeSH D009386, MONDO:0015356.

Allele frequency attached by ClinVar (database versions not stated): gnomAD exomes below 0.00001.
gnomAD v4.1: 1 of 1,614,098 alleles (0.000062%); highest among the groups gnomAD compares: Non-Finnish European, 0.000085%; no homozygotes.

Submissions (3):

Labcorp Genetics (formerly Invitae), Labcorp
Classification: Uncertain significance for Ataxia-telangiectasia syndrome. Last evaluated: 2024-04-14. Review status: criteria provided, single submitter. Criteria: Invitae Variant Classification Sherloc (09022015). Collection method: clinical testing. Allele origin: germline.
Comment: This sequence change replaces threonine, which is neutral and polar, with isoleucine, which is neutral and non-polar, at codon 1884 of the ATM protein (p.Thr1884Ile). This variant is not present in population databases (gnomAD no frequency). This variant has not been reported in the literature in individuals affected with ATM-related conditions. ClinVar contains an entry for this variant (Variation ID: 630087). An algorithm developed to predict the effect of missense changes on protein structure and function (PolyPhen-2) suggests that this variant is likely to be tolerated. In summary, the available evidence is currently insufficient to determine the role of this variant in disease. Therefore, it has been classified as a Variant of Uncertain Significance.

Ambry Genetics
Classification: Uncertain significance for Hereditary cancer-predisposing syndrome. Last evaluated: 2024-02-19. Review status: criteria provided, single submitter. Criteria: Ambry Variant Classification Scheme 2023. Collection method: clinical testing. Allele origin: germline.
Comment: The p.T1884I variant (also known as c.5651C>T), located in coding exon 36 of the ATM gene, results from a C to T substitution at nucleotide position 5651. The threonine at codon 1884 is replaced by isoleucine, an amino acid with similar properties. This amino acid position is not well conserved in available vertebrate species. In addition, this alteration is predicted to be tolerated by in silico analysis. Based on the available evidence, the clinical significance of this alteration remains unclear.

Color Diagnostics, LLC DBA Color Health
Classification: Uncertain significance for Hereditary cancer-predisposing syndrome. Last evaluated: 2021-07-28. Review status: criteria provided, single submitter. Criteria: ACMG Guidelines, 2015. Collection method: clinical testing. Allele origin: germline.
Comment: This missense variant replaces threonine with isoleucine at codon 1884 of the ATM protein. Computational prediction suggests that this variant may not impact protein structure and function (internally defined REVEL score threshold <= 0.5, PMID: 27666373). To our knowledge, functional studies have not been reported for this variant. This variant has not been reported in individuals affected with hereditary cancer in the literature. This variant has not been identified in the general population by the Genome Aggregation Database (gnomAD). The available evidence is insufficient to determine the role of this variant in disease conclusively. Therefore, this variant is classified as a Variant of Uncertain Significance.

NM_000051.4(ATM):c.5651C>T (p.Thr1884Ile)

Gene: ATM (ATM serine/threonine kinase; plus strand). Cytogenetic location: 11q22.3.
Variant type: single nucleotide variant.
Coding change: c.5651C>T on transcript NM_000051.4 (MANE Select); coding-DNA position 5651, C replaced by T.
Protein change: p.Thr1884Ile; replaces threonine 1884 with isoleucine.
Molecular consequence: missense variant.
Genome position (GRCh38, 1-based): chr11:108,304,829, C>T. VCF-style: chr11-108304829-C-T. GRCh37 (hg19) VCF-style: chr11-108175556-C-T.
Other names: c.5651C>T, p.Thr1884Ile (NM_001351834.2); short protein forms T1884I.
Identifiers: ClinVar variation 630087 (VCV000630087.11), dbSNP rs1565482352, ClinGen allele CA382546501.